The following is an entry in ClinVar:

ClinVar aggregate classification (germline): Likely pathogenic (1 of 4 stars; one submission).

Conditions:
GP6-related disorder. Also called: GP6-related condition.

Submission:

PreventionGenetics, part of Exact Sciences
Classification: Likely pathogenic for GP6-related condition. Last evaluated: 2025-03-03. Review status: criteria provided, single submitter. Criteria: ACMG Guidelines, 2015. Collection method: clinical testing. Allele origin: germline.
Comment: The GP6 c.567C>A variant is predicted to result in premature protein termination (p.Tyr189*). To our knowledge, this variant has not been reported in the literature. This variant is reported in 0.0029% of alleles in individuals of Latino descent in gnomAD. Nonsense variants in GP6 are expected to be pathogenic. This variant is interpreted as likely pathogenic.

NM_016363.5(GP6):c.567C>A (p.Tyr189Ter)

Gene: GP6 (glycoprotein VI platelet; minus strand). Cytogenetic location: 19q13.42.
Variant type: single nucleotide variant.
Coding change: c.567C>A on transcript NM_016363.5 (MANE Select); coding-DNA position 567, C replaced by A.
Protein change: p.Tyr189Ter; replaces tyrosine 189 with a stop codon.
Molecular consequence: nonsense.
Genome position (GRCh38, 1-based): chr19:55,027,621, G>T on the plus strand (C>A on the coding strand, the complement: GP6 is on the minus strand). VCF-style: chr19-55027621-G-T. GRCh37 (hg19) VCF-style: chr19-55538989-G-T.
Other names: c.567C>A, p.Tyr189Ter (NM_001083899.2, NM_001256017.2); short protein forms Y189*.
Identifiers: ClinVar variation 5000733 (VCV005000733.1).